The following is an entry in ClinVar:

NM_000395.3(CSF2RB):c.1602G>A (p.Val534=)

Gene: CSF2RB (colony stimulating factor 2 receptor subunit beta; plus strand). Cytogenetic location: 22q12.3.
Variant type: single nucleotide variant.
Coding change: c.1602G>A on transcript NM_000395.3 (MANE Select); coding-DNA position 1602, G replaced by A.
Protein change: p.Val534=; no amino-acid change (valine 534 retained).
Molecular consequence: synonymous variant.
Genome position (GRCh38, 1-based): chr22:36,937,410, G>A. VCF-style: chr22-36937410-G-A. GRCh37 (hg19) VCF-style: chr22-37333452-G-A.
Other names: c.1620G>A, p.Val540= (NM_001410827.1); c.1602G>A (NM_000395.2).
Identifiers: ClinVar variation 1905564 (VCV001905564.6), dbSNP rs767382333, ClinGen allele CA10213945.
Genomic context (GRCh38, chr22:36,937,410, plus strand): 5'-ACTCTTCTGCCCATTTTCTTCCCACAGGGTGTTCCCTGTAGGATTCGGGGACAGCGAGGT[G>A]TCACCTCTCACCATAGAGGACCCCAAGCATGTCTGTGATCCACCATCTGGGCCTGACACG-3'
Protein context (NP_000386.1, residues 524-544): VFPVGFGDSE[Val534=]SPLTIEDPKH

ClinVar aggregate classification (germline): Likely benign. Review status: criteria provided, single submitter (1 of 4 stars). 2 submissions from 2 submitters: Likely benign (1). 1 of the submissions does not count toward it. Last evaluated 2025-11-27.

Conditions:
CSF2RB-related disorder. Also called: CSF2RB-related condition.

Allele frequency attached by ClinVar (database versions not stated): gnomAD 0.00001; ExAC 0.00003; gnomAD exomes 0.00003; TOPMed 0.00003.
gnomAD v4.1: 59 of 1,613,814 alleles (0.0037%); highest among the groups gnomAD compares: Middle Eastern, 0.12%; no homozygotes.

Submissions (2):

Labcorp Genetics (formerly Invitae), Labcorp
Classification: Likely benign. Last evaluated: 2025-11-27. Review status: criteria provided, single submitter. Criteria: Invitae Variant Classification Sherloc (09022015). Collection method: clinical testing. Allele origin: germline.

PreventionGenetics, part of Exact Sciences
Classification: Likely benign for CSF2RB-related condition. Last evaluated: 2024-05-23. Review status: no assertion criteria provided. Collection method: clinical testing. Allele origin: germline. Not counted in ClinVar's aggregate classification.
Comment: This variant is classified as likely benign based on ACMG/AMP sequence variant interpretation guidelines (Richards et al. 2015 PMID: 25741868, with internal and published modifications).